The following is an entry in ClinVar:

NM_001330078.2(NRXN1):c.4189C>T (p.Pro1397Ser)

Gene: NRXN1 (neurexin 1; minus strand). Cytogenetic location: 2p16.3.
Variant type: single nucleotide variant.
Coding change: c.4189C>T on transcript NM_001330078.2 (MANE Select); coding-DNA position 4189, C replaced by T.
Protein change: p.Pro1397Ser; replaces proline 1397 with serine.
Molecular consequence: missense variant.
Genome position (GRCh38, 1-based): chr2:49,943,731, G>A on the plus strand (C>T on the coding strand, the complement: NRXN1 is on the minus strand). VCF-style: chr2-49943731-G-A. GRCh37 (hg19) VCF-style: chr2-50170869-G-A.
Other names: c.4309C>T, p.Pro1437Ser (NM_001135659.3); c.94C>T, p.Pro32Ser (NM_001320156.4, NM_001320157.4); c.4165C>T, p.Pro1389Ser (NM_001330077.2, NM_001330082.2); c.4033C>T, p.Pro1345Ser (NM_001330083.2); c.4123C>T, p.Pro1375Ser (NM_001330084.2); c.4162C>T, p.Pro1388Ser (NM_001330085.2); c.4189C>T, p.Pro1397Ser (NM_001330086.2); c.3988C>T, p.Pro1330Ser (NM_001330087.2, NM_001330096.2); and 7 more; short protein forms P1350S, P1367S, P1396S, P1397S, P1340S, P1345S, P1389S, P1393S.
Identifiers: ClinVar variation 3651291 (VCV003651291.2).

ClinVar aggregate classification (germline): Uncertain significance (1 of 4 stars; one submission).

Conditions:
Pitt-Hopkins-like syndrome 2 (PTHSL2). Identifiers: Orphanet 221150, Orphanet 600663, MedGen C3280479, MONDO:0013690, OMIM 614325.

Submission:

Labcorp Genetics (formerly Invitae), Labcorp
Classification: Uncertain significance for Pitt-Hopkins-like syndrome 2. Last evaluated: 2024-10-24. Review status: criteria provided, single submitter. Criteria: Invitae Variant Classification Sherloc (09022015). Collection method: clinical testing. Allele origin: germline.
Comment: This sequence change replaces proline, which is neutral and non-polar, with serine, which is neutral and polar, at codon 1437 of the NRXN1 protein (p.Pro1437Ser). This variant is not present in population databases (gnomAD no frequency). This variant has not been reported in the literature in individuals affected with NRXN1-related conditions. Invitae Evidence Modeling of protein sequence and biophysical properties (such as structural, functional, and spatial information, amino acid conservation, physicochemical variation, residue mobility, and thermodynamic stability) indicates that this missense variant is not expected to disrupt NRXN1 protein function with a negative predictive value of 80%. In summary, the available evidence is currently insufficient to determine the role of this variant in disease. Therefore, it has been classified as a Variant of Uncertain Significance.